The following is an entry in ClinVar:

NM_138413.4(HOGA1):c.404del (p.Val135fs)

Gene: HOGA1 (4-hydroxy-2-oxoglutarate aldolase 1; plus strand). Cytogenetic location: 10q24.2.
Variant type: Deletion.
Coding change: c.404del on transcript NM_138413.4 (MANE Select); coding-DNA position 404, one base deleted (T; older notation c.404delT).
Protein change: p.Val135fs; shifts the reading frame from valine 135.
Molecular consequence: frameshift variant. On other transcripts: intron variant (1).
Genome position (GRCh38, 1-based): chr10:97,599,152, T deleted. VCF-style (leftmost placement, unchanged base first): chr10-97599151-GT-G. GRCh37 (hg19) VCF-style: chr10-99358908-GT-G.
Other names: c.404delT (NM_138413.3); c.404del (NM_138413.3); c.212-2705del (NM_001134670.2); short protein forms V135fs.
Identifiers: ClinVar variation 556665 (VCV000556665.4), dbSNP rs1554874148, ClinGen allele CA658821478.

ClinVar aggregate classification (germline): Likely pathogenic. Review status: criteria provided, single submitter (1 of 4 stars). 2 submissions from 2 submitters: Likely pathogenic (1). 1 of the submissions does not count toward it. Last evaluated 2025-08-28.

Conditions:
Primary hyperoxaluria type 3. Also called: PH III. Identifiers: Orphanet 416, Orphanet 93600, MedGen C3150878, MONDO:0013327, OMIM 613616. Disease mechanism: loss of function.

Submissions (2):

Natera, Inc.
Classification: Likely pathogenic for Primary hyperoxaluria type III. Last evaluated: 2025-08-28. Review status: criteria provided, single submitter. Criteria: Natera Variant Classification Schema (03/2026). Collection method: clinical testing. Allele origin: germline.
Comment: The c.404del variant in HOGA1 is a frameshift variant predicted to shift the reading frame beginning at codon 135 and leads to a stop codon 2 codons downstream. This variant is expected to result in nonsense mediated decay, truncation, or a dysfunctional protein product. This variant is rare in the general population with a frequency below the threshold expected for the associated phenotype(s). Given the available evidence, this variant is classified as Likely Pathogenic.

Counsyl
Classification: Likely pathogenic for Primary hyperoxaluria type 3. Last evaluated: 2018-02-13. Review status: no assertion criteria provided. Collection method: clinical testing. Allele origin: unknown. Not counted in ClinVar's aggregate classification.